The following is an entry in ClinVar:

NM_022464.5(SIL1):c.454-136T>G

Gene: SIL1 (SIL1 nucleotide exchange factor; minus strand). Cytogenetic location: 5q31.2.
Variant type: single nucleotide variant.
Coding change: c.454-136T>G on transcript NM_022464.5 (MANE Select); 136 bases into the intron before coding-DNA position 454, T replaced by G.
Molecular consequence: intron variant.
Genome position (GRCh38, 1-based): chr5:139,027,128, A>C on the plus strand (T>G on the coding strand, the complement: SIL1 is on the minus strand). VCF-style: chr5-139027128-A-C. GRCh37 (hg19) VCF-style: chr5-138362817-A-C.
Other names: c.454-136T>G (NM_001037633.2).
Identifiers: ClinVar variation 677488 (VCV000677488.1), dbSNP rs116194884, ClinGen allele CA128241104.
Genomic context (GRCh38, chr5:139,027,128, plus strand): 5'-CCCATCCTCAAAAAACTGCTGCTCCAAGACTCACAGTCTTCTCTCATCTATGCTATCAAA[A>C]ATACTAATACTTTCTAAGATGCCCAGAGAAGACAGCCCTCAAAGTCTGCCTATATAGGCC-3'

ClinVar aggregate classification (germline): Likely benign (1 of 4 stars; one submission).

Allele frequency attached by ClinVar (database versions not stated): gnomAD exomes 0.00154; 1000 Genomes Project 0.01078; 1000 Genomes Project 30x 0.01171; gnomAD 0.01286 and 0.01400; TOPMed 0.01464.
gnomAD v4.1: 3,011 of 798,466 alleles (0.38%); highest among the groups gnomAD compares: African/African-American, 4.3%; 53 homozygotes.

Submission:

GeneDx
Classification: Likely benign. Last evaluated: 2018-06-19. Review status: criteria provided, single submitter. Criteria: GeneDx Variant Classification (06012015). Collection method: clinical testing. Allele origin: germline. Affected: yes.
Comment: This variant is considered likely benign or benign based on one or more of the following criteria: it is a conservative change, it occurs at a poorly conserved position in the protein, it is predicted to be benign by multiple in silico algorithms, and/or has population frequency not consistent with disease.